The following is an entry in ClinVar:

ClinVar aggregate classification (germline): Uncertain significance. Review status: criteria provided, multiple submitters, no conflicts (2 of 4 stars). 2 submissions from 2 submitters: Uncertain significance (2). Last evaluated 2025-08-20.

Conditions:
Charcot-Marie-Tooth disease type 2. Also called: Charcot-Marie-Tooth type 2. Identifiers: Orphanet 64746, MedGen C0270914, MONDO:0018993.

Submissions (2):

Ambry Genetics
Classification: Uncertain significance. Last evaluated: 2025-08-20. Review status: criteria provided, single submitter. Criteria: Ambry Variant Classification Scheme 2023. Collection method: clinical testing. Allele origin: germline.
Comment: The p.V411M variant (also known as c.1231G>A), located in coding exon 12 of the KIF1B gene, results from a G to A substitution at nucleotide position 1231. The valine at codon 411 is replaced by methionine, an amino acid with highly similar properties. This amino acid position is conserved. In addition, the in silico prediction for this alteration is inconclusive. Based on the available evidence, the clinical significance of this variant remains unclear.

Labcorp Genetics (formerly Invitae), Labcorp
Classification: Uncertain significance for Charcot-Marie-Tooth disease type 2. Last evaluated: 2020-05-20. Review status: criteria provided, single submitter. Criteria: Invitae Variant Classification Sherloc (09022015). Collection method: clinical testing. Allele origin: germline.
Comment: This variant is not present in population databases (ExAC no frequency). In summary, the available evidence is currently insufficient to determine the role of this variant in disease. Therefore, it has been classified as a Variant of Uncertain Significance. Algorithms developed to predict the effect of missense changes on protein structure and function are either unavailable or do not agree on the potential impact of this missense change (SIFT: "Tolerated"; PolyPhen-2: "Possibly Damaging"; Align-GVGD: "Class C0"). This variant has not been reported in the literature in individuals with KIF1B-related conditions. This sequence change replaces valine with methionine at codon 411 of the KIF1B protein (p.Val411Met). The valine residue is moderately conserved and there is a small physicochemical difference between valine and methionine.

NM_001365951.3(KIF1B):c.1369G>A (p.Val457Met)

Gene: KIF1B (kinesin family member 1B; plus strand). Cytogenetic location: 1p36.22.
Variant type: single nucleotide variant.
Coding change: c.1369G>A on transcript NM_001365951.3 (MANE Select); coding-DNA position 1369, G replaced by A.
Protein change: p.Val457Met; replaces valine 457 with methionine.
Molecular consequence: missense variant.
Genome position (GRCh38, 1-based): chr1:10,282,468, G>A. VCF-style: chr1-10282468-G-A. GRCh37 (hg19) VCF-style: chr1-10342526-G-A.
Other names: c.1369G>A, p.Val457Met (NM_001365952.1); c.1231G>A, p.Val411Met (NM_001365953.1, NM_015074.3, NM_183416.4); short protein forms V411M, V457M.
Identifiers: ClinVar variation 1020915 (VCV001020915.9), dbSNP rs1649459479, ClinGen allele CA338336424.